The following is an entry in ClinVar:

ClinVar aggregate classification (germline): Uncertain significance. Review status: criteria provided, multiple submitters, no conflicts (2 of 4 stars). 2 submissions from 2 submitters: Uncertain significance (2). Last evaluated 2025-06-07.

Conditions:
MYO5B-related disorder. Also called: MYO5B-related condition.

Allele frequency attached by ClinVar (database versions not stated): gnomAD exomes 0.00005; ESP Exome Variant Server 0.00008; ExAC 0.00010; TOPMed 0.00018; 1000 Genomes Project 0.00020; 1000 Genomes Project 30x 0.00031.
gnomAD v4.1: 55 of 1,605,340 alleles (0.0034%); highest among the groups gnomAD compares: African/African-American, 0.06%; no homozygotes.

Submissions (2):

PreventionGenetics, part of Exact Sciences
Classification: Uncertain significance for MYO5B-related condition. Last evaluated: 2025-06-07. Review status: criteria provided, single submitter. Criteria: ACMG Guidelines, 2015. Collection method: clinical testing. Allele origin: germline.
Comment: The MYO5B c.2637C>A variant is predicted to result in the amino acid substitution p.His879Gln. To our knowledge, this variant has not been reported in the literature. This variant is reported in 0.058% of alleles in individuals of African descent in gnomAD, which is likely too common for an undocumented disease-causing variant. Although we suspect that this variant may be benign, at this time, the clinical significance of this variant is uncertain due to the absence of conclusive functional and genetic evidence.

Labcorp Genetics (formerly Invitae), Labcorp
Classification: Uncertain significance. Last evaluated: 2022-08-16. Review status: criteria provided, single submitter. Criteria: Invitae Variant Classification Sherloc (09022015). Collection method: clinical testing. Allele origin: germline.
Comment: This sequence change replaces histidine, which is basic and polar, with glutamine, which is neutral and polar, at codon 879 of the MYO5B protein (p.His879Gln). This variant is present in population databases (rs77000962, gnomAD 0.06%). This variant has not been reported in the literature in individuals affected with MYO5B-related conditions. ClinVar contains an entry for this variant (Variation ID: 1015668). Algorithms developed to predict the effect of missense changes on protein structure and function (SIFT, PolyPhen-2, Align-GVGD) all suggest that this variant is likely to be tolerated. In summary, the available evidence is currently insufficient to determine the role of this variant in disease. Therefore, it has been classified as a Variant of Uncertain Significance.

NM_001080467.3(MYO5B):c.2637C>A (p.His879Gln)

Gene: MYO5B (myosin VB; minus strand). Cytogenetic location: 18q21.1.
Variant type: single nucleotide variant.
Coding change: c.2637C>A on transcript NM_001080467.3 (MANE Select); coding-DNA position 2637, C replaced by A.
Protein change: p.His879Gln; replaces histidine 879 with glutamine.
Molecular consequence: missense variant.
Genome position (GRCh38, 1-based): chr18:49,902,768, G>T on the plus strand (C>A on the coding strand, the complement: MYO5B is on the minus strand). VCF-style: chr18-49902768-G-T. GRCh37 (hg19) VCF-style: chr18-47429138-G-T.
Other names: c.2637C>A (NM_001080467.2); short protein forms H879Q.
Identifiers: ClinVar variation 1015668 (VCV001015668.7), dbSNP rs77000962, ClinGen allele CA8960987.